The following is an entry in ClinVar:

NM_004667.6(HERC2):c.12937A>G (p.Thr4313Ala)

Gene: HERC2 (HECT and RLD domain containing E3 ubiquitin protein ligase 2; minus strand). Cytogenetic location: 15q13.1.
Variant type: single nucleotide variant.
Coding change: c.12937A>G on transcript NM_004667.6 (MANE Select); coding-DNA position 12937, A replaced by G.
Protein change: p.Thr4313Ala; replaces threonine 4313 with alanine.
Molecular consequence: missense variant.
Genome position (GRCh38, 1-based): chr15:28,125,059, T>C on the plus strand (A>G on the coding strand, the complement: HERC2 is on the minus strand). VCF-style: chr15-28125059-T-C. GRCh37 (hg19) VCF-style: chr15-28370205-T-C.
Other names: short protein forms T4313A.
Identifiers: ClinVar variation 1723465 (VCV001723465.2), dbSNP rs758310203, ClinGen allele CA7440183.

ClinVar aggregate classification (germline): Uncertain significance (1 of 4 stars; one submission).

Allele frequency attached by ClinVar (database versions not stated): TOPMed 0.00002; gnomAD exomes 0.00004; gnomAD 0.00005.
gnomAD v4.1: 62 of 1,611,016 alleles (0.0038%); highest among the groups gnomAD compares: Non-Finnish European, 0.0023%; no homozygotes.

Submission:

GeneDx
Classification: Uncertain significance. Last evaluated: 2022-05-12. Review status: criteria provided, single submitter. Criteria: GeneDx Variant Classification Process June 2021. Collection method: clinical testing. Allele origin: germline. Affected: yes.
Comment: In silico analysis supports that this missense variant has a deleterious effect on protein structure/function; Has not been previously published as pathogenic or benign to our knowledge